The following is an entry in ClinVar:

NM_004820.5(CYP7B1):c.1400T>C (p.Leu467Ser)

Gene: CYP7B1 (cytochrome P450 family 7 subfamily B member 1; minus strand). Cytogenetic location: 8q12.3.
Variant type: single nucleotide variant.
Coding change: c.1400T>C on transcript NM_004820.5 (MANE Select); coding-DNA position 1400, T replaced by C.
Protein change: p.Leu467Ser; replaces leucine 467 with serine.
Molecular consequence: missense variant. On other transcripts: intron variant (1).
Genome position (GRCh38, 1-based): chr8:64,596,763, A>G on the plus strand (T>C on the coding strand, the complement: CYP7B1 is on the minus strand). VCF-style: chr8-64596763-A-G. GRCh37 (hg19) VCF-style: chr8-65509320-A-G.
Other names: p.Leu467Ser; c.1234-6919T>C (NM_001324112.2); c.1400T>C (NM_004820.3); short protein forms L467S.
Identifiers: ClinVar variation 1397327 (VCV001397327.6), dbSNP rs1032229386, ClinGen allele CA178383046.

ClinVar aggregate classification (germline): Uncertain significance. Review status: criteria provided, multiple submitters, no conflicts (2 of 4 stars). 2 submissions from 2 submitters: Uncertain significance (2). Last evaluated 2022-07-01.

Conditions:
Spastic paraplegia. Identifiers: MedGen C0037772, HP:0001258.

Allele frequency attached by ClinVar (database versions not stated): gnomAD 0.00002; gnomAD exomes 0.00002; TOPMed 0.00004.
gnomAD v4.1: 26 of 1,613,946 alleles (0.0016%); highest among the groups gnomAD compares: Non-Finnish European, 0.0022%; no homozygotes.

Submissions (2):

Mayo Clinic Laboratories, Mayo Clinic
Classification: Uncertain significance. Last evaluated: 2022-07-01. Review status: criteria provided, single submitter. Criteria: ACMG Guidelines, 2015. Collection method: clinical testing. Allele origin: germline. Observed: 1 variant allele.
Comment: PP3, PM2

Labcorp Genetics (formerly Invitae), Labcorp
Classification: Uncertain significance for Spastic paraplegia. Last evaluated: 2021-08-14. Review status: criteria provided, single submitter. Criteria: Invitae Variant Classification Sherloc (09022015). Collection method: clinical testing. Allele origin: germline.
Comment: This sequence change replaces leucine with serine at codon 467 of the CYP7B1 protein (p.Leu467Ser). The leucine residue is moderately conserved and there is a large physicochemical difference between leucine and serine. This variant is not present in population databases (ExAC no frequency). This variant has not been reported in the literature in individuals affected with CYP7B1-related conditions. Algorithms developed to predict the effect of missense changes on protein structure and function are either unavailable or do not agree on the potential impact of this missense change (SIFT: "Deleterious"; PolyPhen-2: "Benign"; Align-GVGD: "Class C0"). In summary, the available evidence is currently insufficient to determine the role of this variant in disease. Therefore, it has been classified as a Variant of Uncertain Significance.